The following is an entry in ClinVar:

NM_000501.4(ELN):c.698G>C (p.Gly233Ala)

Gene: ELN (elastin; plus strand). Cytogenetic location: 7q11.23.
Variant type: single nucleotide variant.
Coding change: c.698G>C on transcript NM_000501.4 (MANE Select); coding-DNA position 698, G replaced by C.
Protein change: p.Gly233Ala; replaces glycine 233 with alanine.
Molecular consequence: missense variant.
Genome position (GRCh38, 1-based): chr7:74,048,154, G>C. VCF-style: chr7-74048154-G-C. GRCh37 (hg19) VCF-style: chr7-73462484-G-C.
Other names: c.668G>C, p.Gly223Ala (NM_001081752.3, NM_001278917.2); c.713G>C, p.Gly238Ala (NM_001081753.3, NM_001081754.3); c.698G>C, p.Gly233Ala (NM_001081755.3, NM_001278912.2, NM_001278915.2 and 1 more transcripts); c.590G>C, p.Gly197Ala (NM_001278913.2); c.683G>C, p.Gly228Ala (NM_001278914.2); c.656G>C, p.Gly219Ala (NM_001278916.2); c.566G>C, p.Gly189Ala (NM_001278918.2); short protein forms G189A, G197A, G219A, G223A, G228A, G233A, G238A.
Identifiers: ClinVar variation 2657578 (VCV002657578.25), dbSNP rs781929514, ClinGen allele CA4292644.

ClinVar aggregate classification (germline): Uncertain significance. Review status: criteria provided, multiple submitters, no conflicts (2 of 4 stars). 2 submissions from 2 submitters: Uncertain significance (2). Last evaluated 2025-04-09.

Conditions:
Cardiovascular phenotype. Identifiers: MedGen CN230736.

Allele frequency attached by ClinVar (database versions not stated): gnomAD 0.00001.
gnomAD v4.1: 16 of 1,613,952 alleles (0.00099%); highest among the groups gnomAD compares: South Asian, 0.018%; no homozygotes.

Submissions (2):

Molecular Diagnostic Laboratory for Inherited Cardiovascular Disease, Montreal Heart Institute
Classification: Uncertain significance for Cardiovascular phenotype. Last evaluated: 2025-04-09. Review status: criteria provided, single submitter. Criteria: ACMG Guidelines, 2015. Collection method: clinical testing. Allele origin: germline. Affected: yes.

CeGaT Center for Human Genetics Tuebingen
Classification: Uncertain significance. Last evaluated: 2023-05-01. Review status: criteria provided, single submitter. Criteria: CeGaT Center For Human Genetics Tuebingen Variant Classification Criteria Version 2. Collection method: clinical testing. Allele origin: germline. Affected: yes. Observed: 1 variant allele.
Comment: ELN: PM2:Supporting, BP4